The following is an entry in ClinVar:

NM_018897.3(DNAH7):c.5379G>T (p.Ser1793=)

Gene: DNAH7 (dynein axonemal heavy chain 7; minus strand). Cytogenetic location: 2q32.3.
Variant type: single nucleotide variant.
Coding change: c.5379G>T on transcript NM_018897.3 (MANE Select); coding-DNA position 5379, G replaced by T.
Protein change: p.Ser1793=; no amino-acid change (serine 1793 retained).
Molecular consequence: synonymous variant.
Genome position (GRCh38, 1-based): chr2:195,888,285, C>A on the plus strand (G>T on the coding strand, the complement: DNAH7 is on the minus strand). VCF-style: chr2-195888285-C-A. GRCh37 (hg19) VCF-style: chr2-196753009-C-A.
Identifiers: ClinVar variation 3772247 (VCV003772247.13).

ClinVar aggregate classification (germline): Likely benign (1 of 4 stars; one submission).

gnomAD v4.1: 1 of 1,609,032 alleles (0.000062%); highest among the groups gnomAD compares: African/African-American, 0.0013%; no homozygotes.

Submission:

CeGaT Center for Human Genetics Tuebingen
Classification: Likely benign. Last evaluated: 2025-01-01. Review status: criteria provided, single submitter. Criteria: CeGaT Center For Human Genetics Tuebingen Variant Classification Criteria Version 2. Collection method: clinical testing. Allele origin: germline. Affected: yes. Observed: 1 variant allele.
Comment: DNAH7: BP4, BP7